The following is an entry in ClinVar:

NM_020791.4(TAOK1):c.2083C>G (p.Arg695Gly)

Gene: TAOK1 (TAO kinase 1; plus strand). Cytogenetic location: 17q11.2.
Variant type: single nucleotide variant.
Coding change: c.2083C>G on transcript NM_020791.4 (MANE Select); coding-DNA position 2083, C replaced by G.
Protein change: p.Arg695Gly; replaces arginine 695 with glycine.
Molecular consequence: missense variant. On other transcripts: intron variant (1).
Genome position (GRCh38, 1-based): chr17:29,522,454, C>G. VCF-style: chr17-29522454-C-G. GRCh37 (hg19) VCF-style: chr17-27849472-C-G.
Other names: c.1705-7953C>G (NM_025142.1); short protein forms R695G.
Identifiers: ClinVar variation 4975342 (VCV004975342.1).

ClinVar aggregate classification (germline): Uncertain significance (1 of 4 stars; one submission).

Submission:

GeneDx
Classification: Uncertain significance. Last evaluated: 2026-01-21. Review status: criteria provided, single submitter. Criteria: GeneDx Variant Classification Process June 2021. Collection method: clinical testing. Allele origin: germline.
Comment: Not observed at significant frequency in large population cohorts (gnomAD); In silico analysis supports that this missense variant has a deleterious effect on protein structure/function; Has not been previously published as pathogenic or benign to our knowledge